The following is an entry in ClinVar:

NM_001291303.3(FAT4):c.1959C>T (p.Ala653=)

Gene: FAT4 (FAT atypical cadherin 4; plus strand). Cytogenetic location: 4q28.1.
Variant type: single nucleotide variant.
Coding change: c.1959C>T on transcript NM_001291303.3 (MANE Select); coding-DNA position 1959, C replaced by T.
Protein change: p.Ala653=; no amino-acid change (alanine 653 retained).
Molecular consequence: synonymous variant.
Genome position (GRCh38, 1-based): chr4:125,318,370, C>T. VCF-style: chr4-125318370-C-T. GRCh37 (hg19) VCF-style: chr4-126239525-C-T.
Other names: c.1959C>T, p.Ala653= (NM_001291285.3, NM_024582.6).
Identifiers: ClinVar variation 515429 (VCV000515429.10), dbSNP rs191491571, ClinGen allele CA3072084.

ClinVar aggregate classification (germline): Likely benign. Review status: criteria provided, multiple submitters, no conflicts (2 of 4 stars). 3 submissions from 3 submitters: Likely benign (3). Last evaluated 2025-08-11.

Allele frequency attached by ClinVar (database versions not stated): ExAC 0.00002; gnomAD exomes 0.00003; ESP Exome Variant Server 0.00008; 1000 Genomes Project 0.00020; gnomAD 0.00021; TOPMed 0.00022; 1000 Genomes Project 30x 0.00031.
gnomAD v4.1: 54 of 1,614,186 alleles (0.0033%); highest among the groups gnomAD compares: African/African-American, 0.057%; no homozygotes.

Submissions (3):

Labcorp Genetics (formerly Invitae), Labcorp
Classification: Likely benign. Last evaluated: 2025-08-11. Review status: criteria provided, single submitter. Criteria: Invitae Variant Classification Sherloc (09022015). Collection method: clinical testing. Allele origin: germline.

Blueprint Genetics
Classification: Likely benign. Last evaluated: 2023-12-07. Review status: criteria provided, single submitter. Criteria: ACMG Guidelines, 2015. Collection method: clinical testing. Allele origin: germline.

GeneDx
Classification: Likely benign. Last evaluated: 2018-02-15. Review status: criteria provided, single submitter. Criteria: GeneDx Variant Classification (06012015). Collection method: clinical testing. Allele origin: germline. Affected: yes.
Comment: This variant is considered likely benign or benign based on one or more of the following criteria: it is a conservative change, it occurs at a poorly conserved position in the protein, it is predicted to be benign by multiple in silico algorithms, and/or has population frequency not consistent with disease.